The following is an entry in ClinVar:

ClinVar aggregate classification (germline): Uncertain significance. Review status: criteria provided, multiple submitters, no conflicts (2 of 4 stars). 2 submissions from 2 submitters: Uncertain significance (2). Last evaluated 2022-07-28.

Conditions:
Intellectual developmental disorder with dysmorphic facies and behavioral abnormalities. Identifiers: MedGen C4748135, MONDO:0060760, OMIM 618089.

Submissions (2):

Labcorp Genetics (formerly Invitae), Labcorp
Classification: Uncertain significance. Last evaluated: 2022-07-28. Review status: criteria provided, single submitter. Criteria: Invitae Variant Classification Sherloc (09022015). Collection method: clinical testing. Allele origin: germline.
Comment: This sequence change replaces arginine, which is basic and polar, with lysine, which is basic and polar, at codon 447 of the FBXO11 protein (p.Arg447Lys). This variant is not present in population databases (gnomAD no frequency). This missense change has been observed in individual(s) with clinical features of FBXO11-related neurodevelopmental disorder (Invitae). ClinVar contains an entry for this variant (Variation ID: 1057530). Algorithms developed to predict the effect of missense changes on protein structure and function are either unavailable or do not agree on the potential impact of this missense change (SIFT: "Deleterious"; PolyPhen-2: "Probably Damaging"; Align-GVGD: "Class C0"). In summary, the available evidence is currently insufficient to determine the role of this variant in disease. Therefore, it has been classified as a Variant of Uncertain Significance.

New York Genome Center
Classification: Uncertain significance for Intellectual developmental disorder with dysmorphic facies and behavioral abnormalities. Last evaluated: 2021-06-04. Review status: criteria provided, single submitter. Criteria: NYGC Assertion Criteria 2020. Collection method: clinical testing. Allele origin: germline. Observed: 1 heterozygote. Study: CSER-NYCKidSeq.
Comment: The heterozygous missense variant c.1340G>A, p.Arg447Lys has not been reported in individuals with FBXO11-related disorder. The variantis absent in the gnomAD v3.1.1 database, indicating a rare allele and in silico tools predict conflicting evidence of pathogenicity. Based on the available evidence, the variant c.1340G>A, p.Arg447Lys in the FBXO11 gene is classified as a variant of uncertain significance

NM_001190274.2(FBXO11):c.1340G>A (p.Arg447Lys)

Gene: FBXO11 (F-box protein 11; minus strand). Cytogenetic location: 2p16.3.
Variant type: single nucleotide variant.
Coding change: c.1340G>A on transcript NM_001190274.2 (MANE Select); coding-DNA position 1340, G replaced by A.
Protein change: p.Arg447Lys; replaces arginine 447 with lysine.
Molecular consequence: missense variant.
Genome position (GRCh38, 1-based): chr2:47,832,407, C>T on the plus strand (G>A on the coding strand, the complement: FBXO11 is on the minus strand). VCF-style: chr2-47832407-C-T. GRCh37 (hg19) VCF-style: chr2-48059546-C-T.
Other names: c.1088G>A, p.Arg363Lys (NM_001374325.1, NM_025133.4); short protein forms R363K, R447K.
Identifiers: ClinVar variation 1057530 (VCV001057530.9), dbSNP rs2104807871, ClinGen allele CA346765294.
Genomic context (GRCh38, chr2:47,832,407, plus strand): 5'-ACCATGCCATGATCAAATGTGAACACACCAACATCACGTCCATGATGAATATGATTCCGT[C>T]TAATAATTGGGTTTCCATGATTTTTAACCCAAATCCCAGCTAACGCATTATTGGAAATTT-3'
Protein context (NP_001177203.1, residues 437-457): WVKNHGNPII[Arg447Lys]RNHIHHGRDV